The following is an entry in ClinVar:

ClinVar aggregate classification (germline): Likely pathogenic (1 of 4 stars; one submission).

Conditions:
Progressive sclerosing poliodystrophy (MTDPS4A). Also called: Mitochondrial DNA depletion syndrome 4A (Alpers type); Alpers Syndrome; ALPERS DIFFUSE DEGENERATION OF CEREBRAL GRAY MATTER WITH HEPATIC CIRRHOSIS; Alpers-Huttenlocher Syndrome; NEURONAL DEGENERATION OF CHILDHOOD WITH LIVER DISEASE, PROGRESSIVE; ALPERS PROGRESSIVE INFANTILE POLIODYSTROPHY. Identifiers: Orphanet 726, MedGen C0205710, MONDO:0008758, OMIM 203700.

Submission:

Laboratory of Inherited Metabolic Diseases, Research centre for medical genetics
Classification: Likely pathogenic for Progressive sclerosing poliodystrophy. Last evaluated: 2019-07-17. Review status: criteria provided, single submitter. Criteria: ACMG Guidelines, 2015. Collection method: clinical testing. Allele origin: maternal. Inheritance: Autosomal recessive inheritance. Affected: yes.
Comment: found in compound heterozygous with c.961_962insGGGCAAACACA (p.K321fs)

NM_002693.3(POLG):c.2310C>A (p.Phe770Leu)

Gene: POLG (DNA polymerase gamma, catalytic subunit; minus strand). Cytogenetic location: 15q26.1.
Variant type: single nucleotide variant.
Coding change: c.2310C>A on transcript NM_002693.3 (MANE Select); coding-DNA position 2310, C replaced by A.
Protein change: p.Phe770Leu; replaces phenylalanine 770 with leucine.
Molecular consequence: missense variant.
Genome position (GRCh38, 1-based): chr15:89,322,858, G>T on the plus strand (C>A on the coding strand, the complement: POLG is on the minus strand). VCF-style: chr15-89322858-G-T. GRCh37 (hg19) VCF-style: chr15-89866089-G-T.
Other names: c.2310C>A, p.Phe770Leu (NM_001126131.2); short protein forms F770L.
Identifiers: ClinVar variation 694425 (VCV000694425.1), dbSNP rs755315398, ClinGen allele CA393756505.